The following is an entry in ClinVar:

NM_032122.5(DTNBP1):c.392A>G (p.Asn131Ser)

Gene: DTNBP1 (dystrobrevin binding protein 1; minus strand). Cytogenetic location: 6p22.3.
Variant type: single nucleotide variant.
Coding change: c.392A>G on transcript NM_032122.5 (MANE Select); coding-DNA position 392, A replaced by G.
Protein change: p.Asn131Ser; replaces asparagine 131 with serine.
Molecular consequence: missense variant. On other transcripts: non-coding transcript variant (1).
Genome position (GRCh38, 1-based): chr6:15,615,363, T>C on the plus strand (A>G on the coding strand, the complement: DTNBP1 is on the minus strand). VCF-style: chr6-15615363-T-C. GRCh37 (hg19) VCF-style: chr6-15615594-T-C.
Other names: c.149A>G, p.Asn50Ser (NM_001271667.2, NM_183041.1); c.341A>G, p.Asn114Ser (NM_001271668.2); c.287A>G, p.Asn96Ser (NM_001271669.2); c.392A>G, p.Asn131Ser (NM_183040.2); short protein forms N114S, N131S, N50S, N96S.
Identifiers: ClinVar variation 1716713 (VCV001716713.5), dbSNP rs1309088119, ClinGen allele CA362799995.
Genomic context (GRCh38, chr6:15,615,363, plus strand): 5'-TGCATATGTTTGCATCTTTCTAATTCACACTGCCCACATAAGTCTTCCAGATGCAGCAGG[T>C]TGTTCTCTACCTCCTCAAAACTCGCCTCTAAATGAGCTGAAAGTATATAAAAATAAACAG-3'
Protein context (NP_115498.2, residues 121-141): LEASFEEVEN[Asn131Ser]LLHLEDLCGQ

ClinVar aggregate classification (germline): Uncertain significance (1 of 4 stars; one submission).

Allele frequency attached by ClinVar (database versions not stated): gnomAD 0.00001; TOPMed 0.00001; gnomAD exomes 0.00002.
gnomAD v4.1: 14 of 1,614,018 alleles (0.00087%); highest among the groups gnomAD compares: Non-Finnish European, 0.0012%; no homozygotes.

Submission:

Labcorp Genetics (formerly Invitae), Labcorp
Classification: Uncertain significance. Last evaluated: 2022-08-19. Review status: criteria provided, single submitter. Criteria: Invitae Variant Classification Sherloc (09022015). Collection method: clinical testing. Allele origin: germline.
Comment: In summary, the available evidence is currently insufficient to determine the role of this variant in disease. Therefore, it has been classified as a Variant of Uncertain Significance. Algorithms developed to predict the effect of missense changes on protein structure and function are either unavailable or do not agree on the potential impact of this missense change (SIFT: "Deleterious"; PolyPhen-2: "Benign"; Align-GVGD: "Class C0"). This sequence change replaces asparagine, which is neutral and polar, with serine, which is neutral and polar, at codon 131 of the DTNBP1 protein (p.Asn131Ser). This variant is not present in population databases (gnomAD no frequency). This variant has not been reported in the literature in individuals affected with DTNBP1-related conditions.